The following is an entry in ClinVar:

ClinVar aggregate classification (germline): Benign/Likely benign. Review status: criteria provided, multiple submitters, no conflicts (2 of 4 stars). 2 submissions from 2 submitters: Benign (1); Likely benign (1). Last evaluated 2025-10-24.

gnomAD v4.1: 283 of 1,614,200 alleles (0.018%); highest among the groups gnomAD compares: South Asian, 0.23%; 3 homozygotes.

Submissions (2):

Athena Diagnostics
Classification: Benign. Last evaluated: 2025-10-24. Review status: criteria provided, single submitter. Criteria: Athena Diagnostics Criteria. Collection method: clinical testing. Allele origin: unknown.
Comment: The frequency of this variant in the general population is higher than would generally be expected for pathogenic variants in this gene.

Labcorp Genetics (formerly Invitae), Labcorp
Classification: Likely benign. Last evaluated: 2024-11-19. Review status: criteria provided, single submitter. Criteria: Invitae Variant Classification Sherloc (09022015). Collection method: clinical testing. Allele origin: germline.

NM_198994.3(TGM6):c.295G>A (p.Val99Ile)

Gene: TGM6 (transglutaminase 6; plus strand). Cytogenetic location: 20p13.
Variant type: single nucleotide variant.
Coding change: c.295G>A on transcript NM_198994.3 (MANE Select); coding-DNA position 295, G replaced by A.
Protein change: p.Val99Ile; replaces valine 99 with isoleucine.
Molecular consequence: missense variant.
Genome position (GRCh38, 1-based): chr20:2,395,307, G>A. VCF-style: chr20-2395307-G-A. GRCh37 (hg19) VCF-style: chr20-2375953-G-A.
Other names: c.295G>A, p.Val99Ile (NM_001254734.2); c.295G>A (NM_198994.2); short protein forms V99I.
Identifiers: ClinVar variation 3710193 (VCV003710193.3).